The following is an entry in ClinVar:

ClinVar aggregate classification (germline): Benign (1 of 4 stars; one submission).

Conditions:
Neurofibromatosis, type 2 (SWNV). Also called: SCHWANNOMATOSIS, VESTIBULAR; BILATERAL ACOUSTIC NEUROFIBROMATOSIS; NF2-Related Schwannomatosis. Identifiers: Orphanet 637, MedGen C0027832, MONDO:0007039, OMIM 101000. Disease mechanism: loss of function.

Allele frequency attached by ClinVar (database versions not stated): gnomAD exomes 0.00011; gnomAD 0.00059 and 0.00065; 1000 Genomes Project 0.00060; 1000 Genomes Project 30x 0.00078; TOPMed 0.00078.
gnomAD v4.1: 98 of 237,796 alleles (0.041%); highest among the groups gnomAD compares: African/African-American, 0.2%; no homozygotes.

Submission:

Illumina Laboratory Services, Illumina
Classification: Benign for Neurofibromatosis, type 2. Last evaluated: 2018-01-13. Review status: criteria provided, single submitter. Criteria: ICSL Variant Classification Criteria 13 December 2019. Collection method: clinical testing. Allele origin: germline.
Comment: This variant was observed in the ICSL laboratory as part of a predisposition screen in an ostensibly healthy population. It had not been previously curated by ICSL or reported in the Human Gene Mutation Database (HGMD: prior to June 1st, 2018), and was therefore a candidate for classification through an automated scoring system. Utilizing variant allele frequency, disease prevalence and penetrance estimates, and inheritance mode, an automated score was calculated to assess if this variant is too frequent to cause the disease. Based on the score and internal cut-off values, a variant classified as benign is not then subjected to further curation. The score for this variant resulted in a classification of benign for this disease.

NM_000268.4(NF2):c.*720G>A

Gene: NF2 (NF2, moesin-ezrin-radixin like (MERLIN) tumor suppressor; plus strand). Cytogenetic location: 22q12.2.
Variant type: single nucleotide variant.
Coding change: c.*720G>A on transcript NM_000268.4 (MANE Select); 720 bases downstream of the stop codon, G replaced by A.
Molecular consequence: 3 prime UTR variant. On other transcripts: non-coding transcript variant (1).
Genome position (GRCh38, 1-based): chr22:29,695,522, G>A. VCF-style: chr22-29695522-G-A. GRCh37 (hg19) VCF-style: chr22-30091511-G-A.
Other names: c.*780G>A (NM_016418.5, NM_181828.3, NM_181829.3 and 1 more transcripts); c.*795G>A (NM_181832.3); c.*720G>A (NM_181833.3).
Identifiers: ClinVar variation 341094 (VCV000341094.5), dbSNP rs184043147, ClinGen allele CA10653999.
Genomic context (GRCh38, chr22:29,695,522, plus strand): 5'-GCTGACTGCCAGCCGAGGGGCTGGGTAGTGCCGTGCGGGAGCTGATGGTACAGGGCACTC[G>A]CTGTCCCCCTCCGGCCACCCTAGACCAGGGTCCGAGAGGCAGGCAGGAGCCACTCATGTC-3'